The following is an entry in ClinVar:

NM_000222.3(KIT):c.993A>T (p.Val331=)

Gene: KIT (KIT proto-oncogene, receptor tyrosine kinase; plus strand). Cytogenetic location: 4q12.
Variant type: single nucleotide variant.
Coding change: c.993A>T on transcript NM_000222.3 (MANE Select); coding-DNA position 993, A replaced by T.
Protein change: p.Val331=; no amino-acid change (valine 331 retained).
Molecular consequence: synonymous variant.
Genome position (GRCh38, 1-based): chr4:54,707,165, A>T. VCF-style: chr4-54707165-A-T. GRCh37 (hg19) VCF-style: chr4-55573331-A-T.
Other names: c.993A>T (NM_000222.2); c.993A>T, p.Val331= (NM_001093772.2, NM_001385285.1, NM_001385286.1); c.996A>T, p.Val332= (NM_001385284.1, NM_001385288.1, NM_001385290.1 and 1 more transcripts).
Identifiers: ClinVar variation 1541390 (VCV001541390.9), dbSNP rs1553888778, ClinGen allele CA439288603.

ClinVar aggregate classification (germline): Conflicting classifications of pathogenicity. Review status: criteria provided, conflicting classifications (1 of 4 stars). 2 submissions from 2 submitters: Uncertain significance (1); Likely benign (1). Last evaluated 2025-03-31.

Conditions:
Hereditary cancer-predisposing syndrome. Also called: Tumor predisposition; Neoplastic Syndromes, Hereditary; Hereditary Cancer Syndrome; Hereditary neoplastic syndrome. Identifiers: Orphanet 140162, MedGen C0027672, MeSH D009386, MONDO:0015356.
Gastrointestinal stromal tumor. Also called: Gastrointestinal stromal tumor, somatic; Gastrointestinal stroma tumor. Identifiers: Orphanet 44890, MedGen C0238198, MeSH D046152, MONDO:0011719, OMIM 606764, HP:0100723.

Submissions (2):

Ambry Genetics
Classification: Uncertain significance for Hereditary cancer-predisposing syndrome. Last evaluated: 2025-03-31. Review status: criteria provided, single submitter. Criteria: Ambry Variant Classification Scheme 2023. Collection method: clinical testing. Allele origin: germline.
Comment: The c.993A>T variant (also known as p.V331V), located in coding exon 6 of the KIT gene, results from an A to T substitution at nucleotide position 993. This nucleotide substitution does not change the amino acid at codon 331. This nucleotide position is not well conserved in available vertebrate species. In silico splice site analysis for this alteration is inconclusive. Based on the available evidence, the clinical significance of this variant remains unclear.

Labcorp Genetics (formerly Invitae), Labcorp
Classification: Likely benign for Gastrointestinal stromal tumor. Last evaluated: 2024-06-06. Review status: criteria provided, single submitter. Criteria: Invitae Variant Classification Sherloc (09022015). Collection method: clinical testing. Allele origin: germline.